The following is an entry in ClinVar:

NM_003482.4(KMT2D):c.15051C>T (p.Gly5017=)

Gene: KMT2D (lysine methyltransferase 2D; minus strand). Cytogenetic location: 12q13.12.
Variant type: single nucleotide variant.
Coding change: c.15051C>T on transcript NM_003482.4 (MANE Select); coding-DNA position 15051, C replaced by T.
Protein change: p.Gly5017=; no amino-acid change (glycine 5017 retained).
Molecular consequence: synonymous variant.
Genome position (GRCh38, 1-based): chr12:49,026,915, G>A on the plus strand (C>T on the coding strand, the complement: KMT2D is on the minus strand). VCF-style: chr12-49026915-G-A. GRCh37 (hg19) VCF-style: chr12-49420698-G-A.
Identifiers: ClinVar variation 4696683 (VCV004696683.2).
Genomic context (GRCh38, chr12:49,026,915, plus strand): 5'-CTCATGACAGAAACAGCAGCGACGCATGTCTCGCGGTACCTTGTCAGGTCGCAAGGCTGT[G>A]CCAAGCTGCTCCATAAACTCTGCCACTTCCCGCTCATCCTCCTGCCGCCCACTGCCCTTC-3'
Protein context (NP_003473.3, residues 5007-5027): REVAEFMEQL[Gly5017=]TALRPDKVPR

ClinVar aggregate classification (germline): Benign/Likely benign. Review status: criteria provided, multiple submitters, no conflicts (2 of 4 stars). 2 submissions from 2 submitters: Benign (1); Likely benign (1). Last evaluated 2025-10-18.

Conditions:
KMT2D-related disorder. Also called: KMT2D-Related Disorders.
Kabuki syndrome. Also called: NIIKAWA-KUROKI SYNDROME; Kabuki make-up syndrome. Identifiers: Orphanet 2322, MedGen C0796004, MONDO:0016512.

gnomAD v4.1: 38 of 1,613,898 alleles (0.0024%); highest among the groups gnomAD compares: Non-Finnish European, 0.0027%; no homozygotes.

Submissions (2):

Labcorp Genetics (formerly Invitae), Labcorp
Classification: Benign for Kabuki syndrome. Last evaluated: 2025-10-18. Review status: criteria provided, single submitter. Criteria: Invitae Variant Classification Sherloc (09022015). Collection method: clinical testing. Allele origin: germline.

PreventionGenetics, part of Exact Sciences
Classification: Likely benign for KMT2D-related condition. Last evaluated: 2024-11-26. Review status: criteria provided, single submitter. Criteria: ACMG Guidelines, 2015. Collection method: clinical testing. Allele origin: germline.
Comment: This variant is classified as likely benign based on ACMG/AMP sequence variant interpretation guidelines (Richards et al. 2015 PMID: 25741868, with internal and published modifications).